The following is an entry in ClinVar:

ClinVar aggregate classification (germline): Uncertain significance (1 of 4 stars; one submission).

Conditions:
IFT140-related disorder. Also called: IFT140-related condition.

Submission:

PreventionGenetics, part of Exact Sciences
Classification: Uncertain significance for IFT140-related condition. Last evaluated: 2026-03-11. Review status: criteria provided, single submitter. Criteria: ACMG Guidelines, 2015. Collection method: clinical testing. Allele origin: germline.
Comment: The IFT140 c.1402G>C variant is predicted to result in the amino acid substitution p.Glu468Gln. To our knowledge, this variant has not been reported in the literature or in a large population database (gnomAD), indicating this variant is rare. At this time, the clinical significance of this variant is uncertain due to the absence of conclusive functional and genetic evidence.

NM_014714.4(IFT140):c.1402G>C (p.Glu468Gln)

Genes: IFT140 (intraflagellar transport 140; minus strand), LOC105371046 (uncharacterized LOC105371046; plus strand). Cytogenetic location: 16p13.3.
Variant type: single nucleotide variant.
Coding change: c.1402G>C on transcript NM_014714.4 (MANE Select); coding-DNA position 1402, G replaced by C.
Protein change: p.Glu468Gln; replaces glutamic acid 468 with glutamine.
Molecular consequence: missense variant.
Genome position (GRCh38, 1-based): chr16:1,583,344, C>G on the plus strand (G>C on the coding strand, the complement: IFT140 is on the minus strand). VCF-style: chr16-1583344-C-G. GRCh37 (hg19) VCF-style: chr16-1633345-C-G.
Other names: short protein forms E468Q.
Identifiers: ClinVar variation 4995384 (VCV004995384.1).
Genomic context (GRCh38, chr16:1,583,344, plus strand): 5'-AGTGCCTCTGTCCGGGTGAAAAGAACCCACCTGCACTCCGTATCGCGGCTCCAGAAAGCT[C>G]GAAGATCGCCACCTGCCTTCCGTTCCAGACTGCGACAGCATCCTGAAAAGAACCACGGAC-3'
Protein context (NP_055529.2, residues 458-478): VWNGRQVAIF[Glu468Gln]LSGAAIRSAG